The following is an entry in ClinVar:

NM_004281.4(BAG3):c.865T>G (p.Ser289Ala)

Gene: BAG3 (BAG cochaperone 3; plus strand). Cytogenetic location: 10q26.11.
Variant type: single nucleotide variant.
Coding change: c.865T>G on transcript NM_004281.4 (MANE Select); coding-DNA position 865, T replaced by G.
Protein change: p.Ser289Ala; replaces serine 289 with alanine.
Molecular consequence: missense variant.
Genome position (GRCh38, 1-based): chr10:119,672,612, T>G. VCF-style: chr10-119672612-T-G. GRCh37 (hg19) VCF-style: chr10-121432124-T-G.
Other names: short protein forms S289A.
Identifiers: ClinVar variation 1450560 (VCV001450560.6), dbSNP rs1160709384, ClinGen allele CA378295996.

ClinVar aggregate classification (germline): Uncertain significance (1 of 4 stars; one submission).

Conditions:
Dilated cardiomyopathy 1HH (CMD1HH). Identifiers: Orphanet 154, MedGen C3151293, MONDO:0013479, OMIM 613881.
Myofibrillar myopathy 6. Identifiers: Orphanet 199340, MedGen C2751831, MONDO:0013061, OMIM 612954.

Submission:

Labcorp Genetics (formerly Invitae), Labcorp
Classification: Uncertain significance for Dilated cardiomyopathy 1HH; Myofibrillar myopathy 6. Last evaluated: 2021-09-15. Review status: criteria provided, single submitter. Criteria: Invitae Variant Classification Sherloc (09022015). Collection method: clinical testing. Allele origin: germline.
Comment: In summary, the available evidence is currently insufficient to determine the role of this variant in disease. Therefore, it has been classified as a Variant of Uncertain Significance. Algorithms developed to predict the effect of missense changes on protein structure and function output the following: SIFT: "Tolerated"; PolyPhen-2: "Benign"; Align-GVGD: "Class C0". The alanine amino acid residue is found in multiple mammalian species, which suggests that this missense change does not adversely affect protein function. This variant has not been reported in the literature in individuals affected with BAG3-related conditions. This variant is not present in population databases (ExAC no frequency). This sequence change replaces serine with alanine at codon 289 of the BAG3 protein (p.Ser289Ala). The serine residue is weakly conserved and there is a moderate physicochemical difference between serine and alanine.